The following is an entry in ClinVar:

ClinVar aggregate classification (germline): Uncertain significance (1 of 4 stars; one submission).

Conditions:
X-linked agammaglobulinemia with growth hormone deficiency (IGHD3). Also called: FLEISHER SYNDROME; HYPOGAMMAGLOBULINEMIA AND ISOLATED GROWTH HORMONE DEFICIENCY, X-LINKED; IGHD III; AGAMMAGLOBULINEMIA AND ISOLATED GROWTH HORMONE DEFICIENCY, X-LINKED; Isolated growth hormone deficiency type 3; Growth hormone deficiency with hypogammaglobulinemia. Identifiers: Orphanet 231692, Orphanet 631, MedGen C0472813, MONDO:0010615, OMIM 307200.

Submission:

Labcorp Genetics (formerly Invitae), Labcorp
Classification: Uncertain significance for X-linked agammaglobulinemia with growth hormone deficiency. Last evaluated: 2022-10-14. Review status: criteria provided, single submitter. Criteria: Invitae Variant Classification Sherloc (09022015). Collection method: clinical testing. Allele origin: germline.
Comment: Algorithms developed to predict the effect of sequence changes on RNA splicing suggest that this variant may disrupt the consensus splice site. Advanced modeling of protein sequence and biophysical properties (such as structural, functional, and spatial information, amino acid conservation, physicochemical variation, residue mobility, and thermodynamic stability) performed at Invitae indicates that this missense variant is expected to disrupt BTK protein function. This missense change has been observed in individual(s) with clinical features of X-linked agammaglobulinemia (PMID: 19039656). In summary, the available evidence is currently insufficient to determine the role of this variant in disease. Therefore, it has been classified as a Variant of Uncertain Significance. This variant is not present in population databases (gnomAD no frequency). This sequence change replaces histidine, which is basic and polar, with tyrosine, which is neutral and polar, at codon 333 of the BTK protein (p.His333Tyr).

Literature cited by the submitters: PubMed 19039656.

NM_000061.3(BTK):c.997C>T (p.His333Tyr)

Gene: BTK (Bruton tyrosine kinase; minus strand). Cytogenetic location: Xq22.1.
Variant type: single nucleotide variant.
Coding change: c.997C>T on transcript NM_000061.3 (MANE Select); coding-DNA position 997, C replaced by T.
Protein change: p.His333Tyr; replaces histidine 333 with tyrosine.
Molecular consequence: missense variant.
Genome position (GRCh38, 1-based): chrX:101,358,415, G>A on the plus strand (C>T on the coding strand, the complement: BTK is on the minus strand). VCF-style: chrX-101358415-G-A. GRCh37 (hg19) VCF-style: chrX-100613403-G-A.
Other names: c.1099C>T, p.His367Tyr (NM_001287344.2); c.997C>T, p.His333Tyr (NM_001287345.2); short protein forms H367Y, H333Y.
Identifiers: ClinVar variation 2138651 (VCV002138651.4), dbSNP rs2520571279, ClinGen allele CA413928491.
Genomic context (GRCh38, chrX:101,358,415, plus strand): 5'-TGAAAAGGTGCTTCTCAGCCAGGTAATACTGGCTCTGAGGTGTGGAACACACAACATAAT[G>A]ACGTATCACCCCTTGAGGGTCCCTGAAGAAGTGGATGCTTAGTCAGTAACTTGGGCACAA-3'
Protein context (NP_000052.1, residues 323-343): STGDPQGVIR[His333Tyr]YVVCSTPQSQ